The following is an entry in ClinVar:

NM_001036.6(RYR3):c.859C>T (p.Arg287Trp)

Gene: RYR3 (ryanodine receptor 3; plus strand). Cytogenetic location: 15q14.
Variant type: single nucleotide variant.
Coding change: c.859C>T on transcript NM_001036.6 (MANE Select); coding-DNA position 859, C replaced by T.
Protein change: p.Arg287Trp; replaces arginine 287 with tryptophan.
Molecular consequence: missense variant.
Genome position (GRCh38, 1-based): chr15:33,550,203, C>T. VCF-style: chr15-33550203-C-T. GRCh37 (hg19) VCF-style: chr15-33842404-C-T.
Other names: c.859C>T, p.Arg287Trp (NM_001243996.4); short protein forms R287W.
Identifiers: ClinVar variation 1022311 (VCV001022311.8), dbSNP rs373319826, ClinGen allele CA7457958.

ClinVar aggregate classification (germline): Uncertain significance (1 of 4 stars; one submission).

Conditions:
Epileptic encephalopathy. Identifiers: MedGen C0543888, HP:0200134.

Allele frequency attached by ClinVar (database versions not stated): gnomAD 0.00001; TOPMed 0.00002; ExAC 0.00003; gnomAD exomes 0.00003 and 0.00004; ESP Exome Variant Server 0.00008.
gnomAD v4.1: 61 of 1,613,692 alleles (0.0038%); highest among the groups gnomAD compares: Non-Finnish European, 0.0048%; no homozygotes.

Submission:

Labcorp Genetics (formerly Invitae), Labcorp
Classification: Uncertain significance for Epileptic encephalopathy. Last evaluated: 2020-08-29. Review status: criteria provided, single submitter. Criteria: Invitae Variant Classification Sherloc (09022015). Collection method: clinical testing. Allele origin: germline.
Comment: This sequence change replaces arginine with tryptophan at codon 287 of the RYR3 protein (p.Arg287Trp). The arginine residue is highly conserved and there is a moderate physicochemical difference between arginine and tryptophan. This variant is present in population databases (rs373319826, ExAC 0.006%). This variant has not been reported in the literature in individuals with RYR3-related conditions. Algorithms developed to predict the effect of missense changes on protein structure and function are either unavailable or do not agree on the potential impact of this missense change (SIFT: "Deleterious"; PolyPhen-2: "Probably Damaging"; Align-GVGD: "Class C0"). In summary, the available evidence is currently insufficient to determine the role of this variant in disease. Therefore, it has been classified as a Variant of Uncertain Significance.